The following is an entry in ClinVar:

ClinVar aggregate classification (germline): Uncertain significance (1 of 4 stars; one submission).

Conditions:
Familial encephalopathy with neuroserpin inclusion bodies. Also called: ENCEPHALOPATHY, FAMILIAL, WITH COLLINS BODIES. Identifiers: Orphanet 85110, MedGen C1858680, MONDO:0011412, OMIM 604218.

Submission:

Labcorp Genetics (formerly Invitae), Labcorp
Classification: Uncertain significance for Familial encephalopathy with neuroserpin inclusion bodies. Last evaluated: 2022-10-25. Review status: criteria provided, single submitter. Criteria: Invitae Variant Classification Sherloc (09022015). Collection method: clinical testing. Allele origin: germline.
Comment: In summary, the available evidence is currently insufficient to determine the role of this variant in disease. Therefore, it has been classified as a Variant of Uncertain Significance. Advanced modeling of protein sequence and biophysical properties (such as structural, functional, and spatial information, amino acid conservation, physicochemical variation, residue mobility, and thermodynamic stability) performed at Invitae indicates that this missense variant is not expected to disrupt SERPINI1 protein function. This variant has not been reported in the literature in individuals affected with SERPINI1-related conditions. This variant is not present in population databases (gnomAD no frequency). This sequence change replaces leucine, which is neutral and non-polar, with methionine, which is neutral and non-polar, at codon 292 of the SERPINI1 protein (p.Leu292Met).

NM_001122752.2(SERPINI1):c.874C>A (p.Leu292Met)

Gene: SERPINI1 (serpin family I member 1; plus strand). Cytogenetic location: 3q26.1.
Variant type: single nucleotide variant.
Coding change: c.874C>A on transcript NM_001122752.2 (MANE Select); coding-DNA position 874, C replaced by A.
Protein change: p.Leu292Met; replaces leucine 292 with methionine.
Molecular consequence: missense variant.
Genome position (GRCh38, 1-based): chr3:167,794,817, C>A. VCF-style: chr3-167794817-C-A. GRCh37 (hg19) VCF-style: chr3-167512605-C-A.
Other names: c.874C>A, p.Leu292Met (NM_005025.5); short protein forms L292M.
Identifiers: ClinVar variation 2106003 (VCV002106003.4), dbSNP rs762799907, ClinGen allele CA355157328.